The following is an entry in ClinVar:

ClinVar aggregate classification (germline): Uncertain significance (1 of 4 stars; one submission).

Conditions:
Inborn genetic diseases. Identifiers: MedGen C0950123, MeSH D030342.

Submission:

Ambry Genetics
Classification: Uncertain significance for Inborn genetic diseases. Last evaluated: 2026-07-23. Review status: criteria provided, single submitter. Criteria: Ambry Variant Classification Scheme 2023. Collection method: clinical testing. Allele origin: germline.
Comment: The p.V271L variant (also known as c.811G>C), located in coding exon 5 of the MECOM gene, results from a G to C substitution at nucleotide position 811. The valine at codon 271 is replaced by leucine, an amino acid with highly similar properties. This amino acid position is conserved. In addition, this alteration is predicted to be tolerated by in silico analysis. Based on the available evidence, the clinical significance of this variant remains unclear.

NM_004991.4(MECOM):c.811G>C (p.Val271Leu)

Gene: MECOM (MDS1 and EVI1 complex locus; minus strand). Cytogenetic location: 3q26.2.
Variant type: single nucleotide variant.
Coding change: c.811G>C on transcript NM_004991.4 (MANE Select); coding-DNA position 811, G replaced by C.
Protein change: p.Val271Leu; replaces valine 271 with leucine.
Molecular consequence: missense variant.
Genome position (GRCh38, 1-based): chr3:169,127,863, C>G on the plus strand (G>C on the coding strand, the complement: MECOM is on the minus strand). VCF-style: chr3-169127863-C-G. GRCh37 (hg19) VCF-style: chr3-168845651-C-G.
Other names: c.247G>C, p.Val83Leu (NM_001163999.2, NM_001164000.2, NM_001205194.2 and 9 more transcripts); c.811G>C, p.Val271Leu (NM_001366466.2, NM_001366473.2); c.439G>C, p.Val147Leu (NM_001105077.4); short protein forms V147L, V83L, V271L.
Identifiers: ClinVar variation 5024149 (VCV005024149.1).